The following is an entry in ClinVar:

ClinVar aggregate classification (germline): Pathogenic (1 of 4 stars; one submission).

Conditions:
Osteogenesis imperfecta type I (OI1). Also called: OI, TYPE I; OSTEOGENESIS IMPERFECTA TARDA; OSTEOGENESIS IMPERFECTA WITH BLUE SCLERAE; Osteogenesis imperfecta type 1; Classic Non-deforming Osteogenesis Imperfecta with Blue Sclerae; Lobstein's Disease. Identifiers: Orphanet 216796, Orphanet 666, MedGen C0023931, MONDO:0008146, OMIM 166200. Disease mechanism: loss of function.

Submission:

Labcorp Genetics (formerly Invitae), Labcorp
Classification: Pathogenic for Osteogenesis imperfecta type I. Last evaluated: 2025-02-22. Review status: criteria provided, single submitter. Criteria: Invitae Variant Classification Sherloc (09022015). Collection method: clinical testing. Allele origin: germline.
Comment: This sequence change affects a donor splice site in intron 38 of the COL1A1 gene. It is expected to disrupt RNA splicing. Variants that disrupt the donor or acceptor splice site typically lead to a loss of protein function (PMID: 16199547), and loss-of-function variants in COL1A1 are known to be pathogenic (PMID: 7942841, 9295084, 9443882). This variant is not present in population databases (gnomAD no frequency). Disruption of this splice site has been observed in individual(s) with osteogenesis imperfecta (PMID: 36709916). Algorithms developed to predict the effect of sequence changes on RNA splicing suggest that this variant may disrupt the consensus splice site. For these reasons, this variant has been classified as Pathogenic.

Literature cited by the submitters: PubMed 16199547; PubMed 7942841; PubMed 9295084; PubMed 9443882; PubMed 36709916.

NM_000088.4(COL1A1):c.2667+2T>A

Gene: COL1A1 (collagen type I alpha 1 chain; minus strand). Cytogenetic location: 17q21.33.
Variant type: single nucleotide variant.
Coding change: c.2667+2T>A on transcript NM_000088.4 (MANE Select); the canonical splice donor site of the intron after coding-DNA position 2667, T replaced by A.
Molecular consequence: splice donor variant.
Genome position (GRCh38, 1-based): chr17:50,189,677, A>T on the plus strand (T>A on the coding strand, the complement: COL1A1 is on the minus strand). VCF-style: chr17-50189677-A-T. GRCh37 (hg19) VCF-style: chr17-48267038-A-T.
Identifiers: ClinVar variation 4713650 (VCV004713650.1).